The following is an entry in ClinVar:

ClinVar aggregate classification (germline): Uncertain significance. Review status: criteria provided, multiple submitters, no conflicts (2 of 4 stars). 2 submissions from 2 submitters: Uncertain significance (2). Last evaluated 2024-05-20.

Allele frequency attached by ClinVar (database versions not stated): ExAC 0.00004; TOPMed 0.00004; gnomAD 0.00005; ESP Exome Variant Server 0.00008; gnomAD exomes 0.00008; 1000 Genomes Project 30x 0.00016; 1000 Genomes Project 0.00020.
gnomAD v4.1: 127 of 1,608,146 alleles (0.0079%); highest among the groups gnomAD compares: Non-Finnish European, 0.01%; no homozygotes.

Submissions (2):

GeneDx
Classification: Uncertain significance. Last evaluated: 2024-05-20. Review status: criteria provided, single submitter. Criteria: GeneDx Variant Classification Process June 2021. Collection method: clinical testing. Allele origin: germline. Affected: yes.
Comment: In silico analysis supports that this missense variant has a deleterious effect on protein structure/function; Has not been previously published as pathogenic or benign to our knowledge

Labcorp Genetics (formerly Invitae), Labcorp
Classification: Uncertain significance. Last evaluated: 2022-03-29. Review status: criteria provided, single submitter. Criteria: Invitae Variant Classification Sherloc (09022015). Collection method: clinical testing. Allele origin: germline.
Comment: This missense change has been observed in individual(s) with clinical features of hypomyelinating leukodystrophy (Invitae). Algorithms developed to predict the effect of missense changes on protein structure and function (SIFT, PolyPhen-2, Align-GVGD) all suggest that this variant is likely to be disruptive. In summary, the available evidence is currently insufficient to determine the role of this variant in disease. Therefore, it has been classified as a Variant of Uncertain Significance. This variant is present in population databases (rs368429371, gnomAD 0.01%). This sequence change replaces arginine, which is basic and polar, with tryptophan, which is neutral and slightly polar, at codon 93 of the UFM1 protein (p.Arg93Trp).

NM_016617.4(UFM1):c.223C>T (p.Arg75Trp)

Gene: UFM1 (ubiquitin fold modifier 1; plus strand). Cytogenetic location: 13q13.3.
Variant type: single nucleotide variant.
Coding change: c.223C>T on transcript NM_016617.4 (MANE Select); coding-DNA position 223, C replaced by T.
Protein change: p.Arg75Trp; replaces arginine 75 with tryptophan.
Molecular consequence: missense variant. On other transcripts: 3 prime UTR variant (2), non-coding transcript variant (2).
Genome position (GRCh38, 1-based): chr13:38,360,743, C>T. VCF-style: chr13-38360743-C-T. GRCh37 (hg19) VCF-style: chr13-38934880-C-T.
Other names: c.217C>T, p.Arg73Trp (NM_001286703.2); c.277C>T, p.Arg93Trp (NM_001286704.2); c.*43C>T (NM_001286705.2); c.*677C>T (NM_001286706.2); short protein forms R73W, R75W, R93W.
Identifiers: ClinVar variation 1806581 (VCV001806581.7), dbSNP rs368429371, ClinGen allele CA6954092.